The following is an entry in ClinVar:

ClinVar aggregate classification (germline): Uncertain significance. Review status: criteria provided, multiple submitters, no conflicts (2 of 4 stars). 3 submissions from 3 submitters: Uncertain significance (2). 1 of the submissions does not count toward it. Last evaluated 2023-03-21.

Conditions:
Inborn genetic diseases. Identifiers: MedGen C0950123, MeSH D030342.
Metachromatic leukodystrophy (MLD). Also called: Cerebral sclerosis diffuse metachromatic form; ARSA DEFICIENCY; CEREBROSIDE SULFATASE DEFICIENCY; METACHROMATIC LEUKOENCEPHALOPATHY; Arylsulfatase A Deficiency; SULFATIDE LIPIDOSIS. Identifiers: Orphanet 512, MedGen C0023522, MONDO:0018868, OMIM 250100.

Allele frequency attached by ClinVar (database versions not stated): TOPMed 0.00002; gnomAD 0.00005 and 0.00006.
gnomAD v4.1: 27 of 1,613,864 alleles (0.0017%); highest among the groups gnomAD compares: Non-Finnish European, 0.0022%; no homozygotes.

Submissions (3):

Ambry Genetics
Classification: Uncertain significance for Inborn genetic diseases. Last evaluated: 2023-03-21. Review status: criteria provided, single submitter. Criteria: Ambry Variant Classification Scheme 2023. Collection method: clinical testing. Allele origin: germline.

Labcorp Genetics (formerly Invitae), Labcorp
Classification: Uncertain significance for Metachromatic leukodystrophy. Last evaluated: 2021-12-12. Review status: criteria provided, single submitter. Criteria: Invitae Variant Classification Sherloc (09022015). Collection method: clinical testing. Allele origin: germline.
Comment: This sequence change replaces glutamic acid, which is acidic and polar, with aspartic acid, which is acidic and polar, at codon 275 of the ARSA protein (p.Glu275Asp). This variant is present in population databases (no rsID available, gnomAD 0.03%). This variant has not been reported in the literature in individuals affected with ARSA-related conditions. ClinVar contains an entry for this variant (Variation ID: 971054). Algorithms developed to predict the effect of missense changes on protein structure and function output the following: SIFT: "Tolerated"; PolyPhen-2: "Benign"; Align-GVGD: "Class C0". The aspartic acid amino acid residue is found in multiple mammalian species, which suggests that this missense change does not adversely affect protein function. In summary, the available evidence is currently insufficient to determine the role of this variant in disease. Therefore, it has been classified as a Variant of Uncertain Significance.

Natera, Inc.
Classification: Uncertain significance for Metachromatic leukodystrophy. Last evaluated: 2020-03-11. Review status: no assertion criteria provided. Collection method: clinical testing. Allele origin: germline. Not counted in ClinVar's aggregate classification.

NM_000487.6(ARSA):c.825G>T (p.Glu275Asp)

Gene: ARSA (arylsulfatase A; minus strand). Cytogenetic location: 22q13.33.
Variant type: single nucleotide variant.
Coding change: c.825G>T on transcript NM_000487.6 (MANE Select); coding-DNA position 825, G replaced by T.
Protein change: p.Glu275Asp; replaces glutamic acid 275 with aspartic acid.
Molecular consequence: missense variant.
Genome position (GRCh38, 1-based): chr22:50,626,620, C>A on the plus strand (G>T on the coding strand, the complement: ARSA is on the minus strand). VCF-style: chr22-50626620-C-A. GRCh37 (hg19) VCF-style: chr22-51065048-C-A.
Other names: c.825G>T, p.Glu275Asp (NM_001085425.3, NM_001085426.3, NM_001085427.3); c.567G>T, p.Glu189Asp (NM_001085428.3, NM_001362782.2); short protein forms E189D, E275D.
Identifiers: ClinVar variation 971054 (VCV000971054.8), dbSNP rs907795869, ClinGen allele CA325531457.